The following is an entry in ClinVar:

NM_000535.7(PMS2):c.1758C>T (p.Ser586=)

Gene: PMS2 (PMS1 homolog 2, mismatch repair system component; minus strand). Cytogenetic location: 7p22.1.
Variant type: single nucleotide variant.
Coding change: c.1758C>T on transcript NM_000535.7 (MANE Select); coding-DNA position 1758, C replaced by T.
Protein change: p.Ser586=; no amino-acid change (serine 586 retained).
Molecular consequence: synonymous variant. On other transcripts: non-coding transcript variant (1).
Genome position (GRCh38, 1-based): chr7:5,987,007, G>A on the plus strand (C>T on the coding strand, the complement: PMS2 is on the minus strand). VCF-style: chr7-5987007-G-A. GRCh37 (hg19) VCF-style: chr7-6026638-G-A.
Other names: c.1353C>T, p.Ser451= (NM_001322003.2, NM_001322004.2, NM_001322005.2 and 1 more transcripts); c.1602C>T, p.Ser534= (NM_001322006.2); c.1440C>T, p.Ser480= (NM_001322007.2, NM_001322008.2); c.1197C>T, p.Ser399= (NM_001322010.2); c.825C>T, p.Ser275= (NM_001322011.2, NM_001322012.2); c.1185C>T, p.Ser395= (NM_001322013.2); c.1758C>T, p.Ser586= (NM_001322014.2); c.1449C>T, p.Ser483= (NM_001322015.2).
Identifiers: ClinVar variation 763227 (VCV000763227.10), dbSNP rs1380096472, ClinGen allele CA453746013.

ClinVar aggregate classification (germline): Benign/Likely benign. Review status: criteria provided, multiple submitters, no conflicts (2 of 4 stars). 2 submissions from 2 submitters: Benign (1); Likely benign (1). Last evaluated 2025-11-04.

Conditions:
Hereditary nonpolyposis colorectal neoplasms. Identifiers: MedGen C0009405, MeSH D003123.
Lynch syndrome 4 (LYNCH4). Also called: Hereditary non-polyposis colorectal cancer, type 4; Colorectal cancer, hereditary nonpolyposis, type 4. Identifiers: Orphanet 144, MedGen C1838333, MONDO:0013699, OMIM 614337. Disease mechanism: loss of function.

Submissions (2):

Labcorp Genetics (formerly Invitae), Labcorp
Classification: Likely benign for Hereditary nonpolyposis colorectal neoplasms. Last evaluated: 2025-11-04. Review status: criteria provided, single submitter. Criteria: Invitae Variant Classification Sherloc (09022015). Collection method: clinical testing. Allele origin: germline.

Myriad Genetics, Inc.
Classification: Benign for Lynch syndrome 4. Last evaluated: 2025-01-31. Review status: criteria provided, single submitter. Criteria: Myriad Autosomal Dominant, Autosomal Recessive and X-Linked Classification Criteria (2023). Collection method: clinical testing. Allele origin: unknown.
Comment: This variant is considered benign. This variant is a silent/synonymous amino acid change and it is not expected to impact splicing.